The following is an entry in ClinVar:

NM_016653.3(MAP3K20):c.897T>C (p.Arg299=)

Genes: MAP3K20 (mitogen-activated protein kinase kinase kinase 20; plus strand), MAP3K20-AS1 (MAP3K20 antisense RNA 1; minus strand). Cytogenetic location: 2q31.1.
Variant type: single nucleotide variant.
Coding change: c.897T>C on transcript NM_016653.3 (MANE Select); coding-DNA position 897, T replaced by C.
Protein change: p.Arg299=; no amino-acid change (arginine 299 retained).
Molecular consequence: synonymous variant.
Genome position (GRCh38, 1-based): chr2:173,217,160, T>C. VCF-style: chr2-173217160-T-C. GRCh37 (hg19) VCF-style: chr2-174081888-T-C.
Other names: p.Arg299=; c.897T>C, p.Arg299= (NM_133646.3).
Identifiers: ClinVar variation 736952 (VCV000736952.10), dbSNP rs201704152, ClinGen allele CA1970586.

ClinVar aggregate classification (germline): Likely benign. Review status: criteria provided, multiple submitters, no conflicts (2 of 4 stars). 2 submissions from 2 submitters: Likely benign (2). Last evaluated 2025-10-29.

Allele frequency attached by ClinVar (database versions not stated): TOPMed 0.00019; gnomAD 0.00021 and 0.00023; ESP Exome Variant Server 0.00023; ExAC 0.00028; gnomAD exomes 0.00033.
gnomAD v4.1: 292 of 1,604,674 alleles (0.018%); highest among the groups gnomAD compares: Non-Finnish European, 0.0036%; 1 homozygote.

Submissions (2):

Labcorp Genetics (formerly Invitae), Labcorp
Classification: Likely benign. Last evaluated: 2025-10-29. Review status: criteria provided, single submitter. Criteria: Invitae Variant Classification Sherloc (09022015). Collection method: clinical testing. Allele origin: germline.

Mayo Clinic Laboratories, Mayo Clinic
Classification: Likely benign. Last evaluated: 2025-05-16. Review status: criteria provided, single submitter. Criteria: ACMG Guidelines, 2015. Collection method: clinical testing. Allele origin: germline. Observed: 1 variant allele.
Comment: BS1, BP4, BP7